The following is an entry in ClinVar:

NM_020738.4(KIDINS220):c.4274G>C (p.Gly1425Ala)

Gene: KIDINS220 (kinase D interacting substrate 220; minus strand). Cytogenetic location: 2p25.1.
Variant type: single nucleotide variant.
Coding change: c.4274G>C on transcript NM_020738.4 (MANE Select); coding-DNA position 4274, G replaced by C.
Protein change: p.Gly1425Ala; replaces glycine 1425 with alanine.
Molecular consequence: missense variant. On other transcripts: intron variant (6).
Genome position (GRCh38, 1-based): chr2:8,731,762, C>G on the plus strand (G>C on the coding strand, the complement: KIDINS220 is on the minus strand). VCF-style: chr2-8731762-C-G. GRCh37 (hg19) VCF-style: chr2-8871892-C-G.
Other names: c.4277G>C, p.Gly1426Ala (NM_001348729.2); c.4220G>C, p.Gly1407Ala (NM_001348731.2); c.4217G>C, p.Gly1406Ala (NM_001348732.2); c.4106G>C, p.Gly1369Ala (NM_001348734.2); c.4103G>C, p.Gly1368Ala (NM_001348735.2); c.3977G>C, p.Gly1326Ala (NM_001348736.2); c.3882+1682G>C (NM_001348741.2, NM_001348742.2, NM_001348743.2); c.3996+1682G>C (NM_001348738.2); and 1 more; short protein forms G1406A, G1426A, G1369A, G1407A, G1368A, G1425A, G1326A.
Identifiers: ClinVar variation 1943084 (VCV001943084.5), dbSNP rs2527406115, ClinGen allele CA345765263.

ClinVar aggregate classification (germline): Uncertain significance (1 of 4 stars; one submission).

Submission:

Labcorp Genetics (formerly Invitae), Labcorp
Classification: Uncertain significance. Last evaluated: 2024-11-18. Review status: criteria provided, single submitter. Criteria: Invitae Variant Classification Sherloc (09022015). Collection method: clinical testing. Allele origin: germline.
Comment: This sequence change replaces glycine, which is neutral and non-polar, with alanine, which is neutral and non-polar, at codon 1425 of the KIDINS220 protein (p.Gly1425Ala). This variant is not present in population databases (gnomAD no frequency). This variant has not been reported in the literature in individuals affected with KIDINS220-related conditions. ClinVar contains an entry for this variant (Variation ID: 1943084). An algorithm developed to predict the effect of missense changes on protein structure and function (PolyPhen-2) suggests that this variant is likely to be tolerated. In summary, the available evidence is currently insufficient to determine the role of this variant in disease. Therefore, it has been classified as a Variant of Uncertain Significance.